The following is an entry in ClinVar:

NM_007294.4(BRCA1):c.1094G>A (p.Arg365Lys)

Gene: BRCA1 (BRCA1 DNA repair associated; minus strand). Cytogenetic location: 17q21.31.
Variant type: single nucleotide variant.
Coding change: c.1094G>A on transcript NM_007294.4 (MANE Select); coding-DNA position 1094, G replaced by A.
Protein change: p.Arg365Lys; replaces arginine 365 with lysine.
Molecular consequence: missense variant. On other transcripts: intron variant (137).
Genome position (GRCh38, 1-based): chr17:43,094,437, C>T on the plus strand (G>A on the coding strand, the complement: BRCA1 is on the minus strand). VCF-style: chr17-43094437-C-T. GRCh37 (hg19) VCF-style: chr17-41246454-C-T.
Other names: c.1094G>A, p.Arg365Lys (NM_001407594.1, NM_001407596.1, NM_001407597.1 and 30 more transcripts); c.1091G>A, p.Arg364Lys (NM_001407610.1, NM_001407611.1, NM_001407612.1 and 22 more transcripts); c.881G>A, p.Arg294Lys (NM_001407571.1, NM_001407853.1, NM_001407894.1 and 9 more transcripts); c.1085G>A, p.Arg362Lys (NM_001407646.1, NM_001407647.1); c.971G>A, p.Arg324Lys (NM_001407648.1, NM_001407664.1, NM_001407665.1 and 19 more transcripts); c.968G>A, p.Arg323Lys (NM_001407649.1, NM_001407670.1, NM_001407671.1 and 11 more transcripts); c.1016G>A, p.Arg339Lys (NM_001407653.1, NM_001407654.1, NM_001407655.1 and 4 more transcripts); c.1013G>A, p.Arg338Lys (NM_001407659.1, NM_001407660.1, NM_001407661.1 and 1 more transcripts); and 40 more; short protein forms R365K, R318K, R295K, R298K, R323K, R338K, R197K, R253K.
Identifiers: ClinVar variation 948211 (VCV000948211.14), dbSNP rs2053994698, ClinGen allele CA10599872.

ClinVar aggregate classification (germline): Conflicting classifications of pathogenicity. Review status: criteria provided, conflicting classifications (1 of 4 stars). 3 submissions from 3 submitters: Uncertain significance (2); Likely benign (1). Last evaluated 2024-03-23.

Conditions:
Hereditary breast ovarian cancer syndrome. Also called: Hereditary breast and/or ovarian cancer syndrome; Hereditary breast and ovarian cancer syndrome; Hereditary breast and ovarian cancer syndrome (HBOC); Breast and ovarian cancer; BRCA1- and BRCA2-Associated Hereditary Breast and Ovarian Cancer; Hereditary breast and ovarian cancer. Identifiers: Orphanet 145, MedGen C0677776, MeSH D061325, MONDO:0003582. Disease mechanism: loss of function.
Hereditary cancer-predisposing syndrome. Also called: Hereditary neoplastic syndrome; Neoplastic Syndromes, Hereditary; Tumor predisposition; Hereditary Cancer Syndrome. Identifiers: Orphanet 140162, MedGen C0027672, MeSH D009386, MONDO:0015356.

Allele frequency attached by ClinVar (database versions not stated): gnomAD exomes below 0.00001.
gnomAD v4.1: 1 of 1,614,086 alleles (0.000062%); highest among the groups gnomAD compares: Non-Finnish European, 0.000085%; no homozygotes.

Submissions (3):

Ambry Genetics
Classification: Uncertain significance for Hereditary cancer-predisposing syndrome. Last evaluated: 2024-03-23. Review status: criteria provided, single submitter. Criteria: Ambry Variant Classification Scheme 2023. Collection method: clinical testing. Allele origin: germline.
Comment: The p.R365K variant (also known as c.1094G>A), located in coding exon 9 of the BRCA1 gene, results from a G to A substitution at nucleotide position 1094. The arginine at codon 365 is replaced by lysine, an amino acid with highly similar properties. This amino acid position is conserved. In addition, the in silico prediction for this alteration is inconclusive. Based on the available evidence, the clinical significance of this alteration remains unclear.

University of Washington Department of Laboratory Medicine, University of Washington
Classification: Likely benign for Hereditary cancer-predisposing syndrome. Last evaluated: 2023-03-23. Review status: criteria provided, single submitter. Criteria: Dines et al. (Genet Med. 2020). Collection method: curation. Allele origin: germline.
Comment: Missense variant in a coldspot region where missense variants are very unlikely to be pathogenic (PMID:31911673).

BRCA1 coldspot (exon 11 using historical exon numbering). Reclassification based on statistical prior probability

Labcorp Genetics (formerly Invitae), Labcorp
Classification: Uncertain significance for Hereditary breast ovarian cancer syndrome. Last evaluated: 2022-02-25. Review status: criteria provided, single submitter. Criteria: Invitae Variant Classification Sherloc (09022015). Collection method: clinical testing. Allele origin: germline.
Comment: Advanced modeling of protein sequence and biophysical properties (such as structural, functional, and spatial information, amino acid conservation, physicochemical variation, residue mobility, and thermodynamic stability) performed at Invitae indicates that this missense variant is not expected to disrupt BRCA1 protein function. This sequence change replaces arginine, which is basic and polar, with lysine, which is basic and polar, at codon 365 of the BRCA1 protein (p.Arg365Lys). This variant is not present in population databases (gnomAD no frequency). This variant has not been reported in the literature in individuals affected with BRCA1-related conditions. ClinVar contains an entry for this variant (Variation ID: 948211). In summary, the available evidence is currently insufficient to determine the role of this variant in disease. Therefore, it has been classified as a Variant of Uncertain Significance.